The following is an entry in ClinVar:

NM_182914.3(SYNE2):c.19316A>C (p.Tyr6439Ser)

Gene: SYNE2 (spectrin repeat containing nuclear envelope protein 2; plus strand). Cytogenetic location: 14q23.2.
Variant type: single nucleotide variant.
Coding change: c.19316A>C on transcript NM_182914.3 (MANE Select); coding-DNA position 19316, A replaced by C.
Protein change: p.Tyr6439Ser; replaces tyrosine 6439 with serine.
Molecular consequence: missense variant.
Genome position (GRCh38, 1-based): chr14:64,214,453, A>C. VCF-style: chr14-64214453-A-C. GRCh37 (hg19) VCF-style: chr14-64681171-A-C.
Other names: c.19316A>C (NM_182914.2); c.19316A>C, p.Tyr6439Ser (NM_015180.6); c.218A>C, p.Tyr73Ser (NM_182913.4); short protein forms Y6439S, Y73S.
Identifiers: ClinVar variation 444332 (VCV000444332.47), dbSNP rs753261176, ClinGen allele CA7224374.

ClinVar aggregate classification (germline): Uncertain significance. Review status: criteria provided, multiple submitters, no conflicts (2 of 4 stars). 3 submissions from 3 submitters: Uncertain significance (3). Last evaluated 2025-10-08.

Conditions:
Emery-Dreifuss muscular dystrophy 5, autosomal dominant (EDMD5). Also called: EMERY-DREIFUSS MUSCULAR DYSTROPHY 5. Identifiers: Orphanet 261, MedGen C2751805, MONDO:0013072, OMIM 612999.

Allele frequency attached by ClinVar (database versions not stated): ExAC 0.00003; gnomAD exomes 0.00003; gnomAD 0.00006.
gnomAD v4.1: 70 of 1,612,898 alleles (0.0043%); highest among the groups gnomAD compares: Non-Finnish European, 0.0057%; no homozygotes.

Submissions (3):

Labcorp Genetics (formerly Invitae), Labcorp
Classification: Uncertain significance for Emery-Dreifuss muscular dystrophy 5, autosomal dominant. Last evaluated: 2025-10-08. Review status: criteria provided, single submitter. Criteria: Invitae Variant Classification Sherloc (09022015). Collection method: clinical testing. Allele origin: germline.
Comment: This sequence change replaces tyrosine, which is neutral and polar, with serine, which is neutral and polar, at codon 6439 of the SYNE2 protein (p.Tyr6439Ser). This variant is present in population databases (rs753261176, gnomAD 0.006%). This variant has not been reported in the literature in individuals affected with SYNE2-related conditions. ClinVar contains an entry for this variant (Variation ID: 444332). An algorithm developed to predict the effect of missense changes on protein structure and function (PolyPhen-2) suggests that this variant is likely to be disruptive. In summary, the available evidence is currently insufficient to determine the role of this variant in disease. Therefore, it has been classified as a Variant of Uncertain Significance.

Ambry Genetics
Classification: Uncertain significance. Last evaluated: 2025-03-26. Review status: criteria provided, single submitter. Criteria: Ambry Variant Classification Scheme 2023. Collection method: clinical testing. Allele origin: germline.

CeGaT Center for Human Genetics Tuebingen
Classification: Uncertain significance. Last evaluated: 2017-05-01. Review status: criteria provided, single submitter. Criteria: CeGaT Center For Human Genetics Tuebingen Variant Classification Criteria Version 2. Collection method: clinical testing. Allele origin: germline. Affected: yes. Observed: 1 variant allele.